The following is an entry in ClinVar:

ClinVar aggregate classification (germline): Conflicting classifications of pathogenicity. Review status: criteria provided, conflicting classifications (1 of 4 stars). 2 submissions from 2 submitters: Uncertain significance (1); Likely benign (1). Last evaluated 2026-02-19.

Conditions:
Hereditary cancer-predisposing syndrome. Also called: Tumor predisposition; Hereditary neoplastic syndrome; Hereditary Cancer Syndrome; Neoplastic Syndromes, Hereditary. Identifiers: Orphanet 140162, MedGen C0027672, MeSH D009386, MONDO:0015356.
Hereditary breast ovarian cancer syndrome. Also called: Hereditary breast and ovarian cancer; Breast and ovarian cancer; BRCA1- and BRCA2-Associated Hereditary Breast and Ovarian Cancer; Hereditary breast and/or ovarian cancer syndrome; Hereditary breast and ovarian cancer syndrome; Hereditary breast and ovarian cancer syndrome (HBOC). Identifiers: Orphanet 145, MedGen C0677776, MeSH D061325, MONDO:0003582. Disease mechanism: loss of function.

Submissions (2):

Ambry Genetics
Classification: Likely benign for Hereditary cancer-predisposing syndrome. Last evaluated: 2026-02-19. Review status: criteria provided, single submitter. Criteria: Ambry Variant Classification Scheme 2023. Collection method: clinical testing. Allele origin: germline.

Labcorp Genetics (formerly Invitae), Labcorp
Classification: Uncertain significance for Hereditary breast ovarian cancer syndrome. Last evaluated: 2025-08-30. Review status: criteria provided, single submitter. Criteria: Invitae Variant Classification Sherloc (09022015). Collection method: clinical testing. Allele origin: germline.
Comment: This sequence change replaces methionine, which is neutral and non-polar, with valine, which is neutral and non-polar, at codon 3217 of the BRCA2 protein (p.Met3217Val). This variant is not present in population databases (gnomAD no frequency). This variant has not been reported in the literature in individuals affected with BRCA2-related conditions. ClinVar contains an entry for this variant (Variation ID: 233983). An algorithm developed to predict the effect of missense changes on protein structure and function (PolyPhen-2) suggests that this variant is likely to be tolerated. In summary, the available evidence is currently insufficient to determine the role of this variant in disease. Therefore, it has been classified as a Variant of Uncertain Significance.

NM_000059.4(BRCA2):c.9649A>G (p.Met3217Val)

Gene: BRCA2 (BRCA2 DNA repair associated; plus strand). Cytogenetic location: 13q13.1.
Variant type: single nucleotide variant.
Coding change: c.9649A>G on transcript NM_000059.4 (MANE Select); coding-DNA position 9649, A replaced by G.
Protein change: p.Met3217Val; replaces methionine 3217 with valine.
Molecular consequence: missense variant.
Genome position (GRCh38, 1-based): chr13:32,398,162, A>G. VCF-style: chr13-32398162-A-G. GRCh37 (hg19) VCF-style: chr13-32972299-A-G.
Other names: short protein forms M3217V.
Identifiers: ClinVar variation 233983 (VCV000233983.7), dbSNP rs786203000, ClinGen allele CA10579842.